The following is an entry in ClinVar:

NM_006440.5(TXNRD2):c.1107C>A (p.Pro369=)

Gene: TXNRD2 (thioredoxin reductase 2; minus strand). Cytogenetic location: 22q11.21.
Variant type: single nucleotide variant.
Coding change: c.1107C>A on transcript NM_006440.5 (MANE Select); coding-DNA position 1107, C replaced by A.
Protein change: p.Pro369=; no amino-acid change (proline 369 retained).
Molecular consequence: synonymous variant. On other transcripts: non-coding transcript variant (1).
Genome position (GRCh38, 1-based): chr22:19,880,697, G>T on the plus strand (C>A on the coding strand, the complement: TXNRD2 is on the minus strand). VCF-style: chr22-19880697-G-T. GRCh37 (hg19) VCF-style: chr22-19868220-G-T.
Other names: c.1104C>A, p.Pro368= (NM_001352300.2); c.1017C>A, p.Pro339= (NM_001352301.2); c.819C>A, p.Pro273= (NM_001352302.2).
Identifiers: ClinVar variation 515779 (VCV000515779.6), dbSNP rs371533709, ClinGen allele CA10103804.

ClinVar aggregate classification (germline): Likely benign. Review status: criteria provided, multiple submitters, no conflicts (2 of 4 stars). 2 submissions from 2 submitters: Likely benign (2). Last evaluated 2024-04-10.

Conditions:
Primary dilated cardiomyopathy (DCM). Also called: Dilated Cardiomyopathy. Identifiers: Orphanet 217604, MedGen C0007193, MeSH D002311, MONDO:0005021, HP:0001644. Inheritance: Various modes of inheritance.

Allele frequency attached by ClinVar (database versions not stated): TOPMed below 0.00001.
gnomAD v4.1: 17 of 1,612,948 alleles (0.0011%); highest among the groups gnomAD compares: Admixed American, 0.028%; no homozygotes.

Submissions (2):

Labcorp Genetics (formerly Invitae), Labcorp
Classification: Likely benign for Primary dilated cardiomyopathy. Last evaluated: 2024-04-10. Review status: criteria provided, single submitter. Criteria: Invitae Variant Classification Sherloc (09022015). Collection method: clinical testing. Allele origin: germline.

GeneDx
Classification: Likely benign. Last evaluated: 2018-02-26. Review status: criteria provided, single submitter. Criteria: GeneDx Variant Classification (06012015). Collection method: clinical testing. Allele origin: germline. Affected: yes.
Comment: This variant is considered likely benign or benign based on one or more of the following criteria: it is a conservative change, it occurs at a poorly conserved position in the protein, it is predicted to be benign by multiple in silico algorithms, and/or has population frequency not consistent with disease.